The following is an entry in ClinVar:

NM_017617.5(NOTCH1):c.4867G>A (p.Glu1623Lys)

Gene: NOTCH1 (notch receptor 1; minus strand). Cytogenetic location: 9q34.3.
Variant type: single nucleotide variant.
Coding change: c.4867G>A on transcript NM_017617.5 (MANE Select); coding-DNA position 4867, G replaced by A.
Protein change: p.Glu1623Lys; replaces glutamic acid 1623 with lysine.
Molecular consequence: missense variant.
Genome position (GRCh38, 1-based): chr9:136,504,824, C>T on the plus strand (G>A on the coding strand, the complement: NOTCH1 is on the minus strand). VCF-style: chr9-136504824-C-T. GRCh37 (hg19) VCF-style: chr9-139399276-C-T.
Other names: short protein forms E1623K.
Identifiers: ClinVar variation 915765 (VCV000915765.5), dbSNP rs187112709, ClinGen allele CA201643915.
Genomic context (GRCh38, chr9:136,504,824, plus strand): 5'-CGTCAGGTGCGGCCCAGCCCTCGGCGGCACGCTTGATGGGGTGCTTGCGCAGCTCCTCCT[C>T]GCGGCCGTAGTAGGGGAAGATCATCTGCTGGCCGTGTGCGTCACGCTTGAAGACCACGTT-3'
Protein context (NP_060087.3, residues 1613-1633): QQMIFPYYGR[Glu1623Lys]EELRKHPIKR

ClinVar aggregate classification (germline): Conflicting classifications of pathogenicity. Review status: criteria provided, conflicting classifications (1 of 4 stars). 3 submissions from 3 submitters: Uncertain significance (2); Likely benign (1). Last evaluated 2026-02-13.

Conditions:
Adams-Oliver syndrome 5 (AOS5). Identifiers: Orphanet 974, MedGen C4014970, MONDO:0014459, OMIM 616028.
Familial thoracic aortic aneurysm and aortic dissection (TAAD). Also called: Thoracic aortic aneurysms and dissections. Identifiers: Orphanet 91387, MedGen C4707243, MONDO:0019625.

Allele frequency attached by ClinVar (database versions not stated): gnomAD 0.00001; TOPMed 0.00005; 1000 Genomes Project 30x 0.00016.
gnomAD v4.1: 15 of 1,572,176 alleles (0.00095%); highest among the groups gnomAD compares: East Asian, 0.0023%; no homozygotes.

Submissions (3):

OLLIN Analises Genomicas, OLLIN
Classification: Uncertain significance for Adams-Oliver syndrome 5. Last evaluated: 2026-02-13. Review status: criteria provided, single submitter. Criteria: ACMG Guidelines 2015 PMID 25741868. Collection method: clinical testing. Allele origin: germline. Observed: 1 variant allele.
Comment: BP4

Labcorp Genetics (formerly Invitae), Labcorp
Classification: Likely benign for Adams-Oliver syndrome 5. Last evaluated: 2024-09-24. Review status: criteria provided, single submitter. Criteria: Invitae Variant Classification Sherloc (09022015). Collection method: clinical testing. Allele origin: germline.

CHEO Genetics Diagnostic Laboratory, Children's Hospital of Eastern Ontario
Classification: Uncertain significance for Familial thoracic aortic aneurysm and aortic dissection. Last evaluated: 2018-06-14. Review status: criteria provided, single submitter. Criteria: ACMG Guidelines, 2015. Collection method: clinical testing. Allele origin: germline.